The following is an entry in ClinVar:

NM_000180.4(GUCY2D):c.787G>T (p.Ala263Ser)

Gene: GUCY2D (guanylate cyclase 2D, retinal; plus strand). Cytogenetic location: 17p13.1.
Variant type: single nucleotide variant.
Coding change: c.787G>T on transcript NM_000180.4 (MANE Select); coding-DNA position 787, G replaced by T.
Protein change: p.Ala263Ser; replaces alanine 263 with serine.
Molecular consequence: missense variant.
Genome position (GRCh38, 1-based): chr17:8,003,917, G>T. VCF-style: chr17-8003917-G-T. GRCh37 (hg19) VCF-style: chr17-7907235-G-T.
Other names: short protein forms A263S.
Identifiers: ClinVar variation 838541 (VCV000838541.9), dbSNP rs745444949, ClinGen allele CA397945160.

ClinVar aggregate classification (germline): Uncertain significance (1 of 4 stars; one submission).

Conditions:
Cone-rod dystrophy 6 (CORD6). Also called: RETINAL CONE DYSTROPHY 2; Cone dystrophy progressive. Identifiers: Orphanet 1872, MedGen C1866293, MONDO:0011143, OMIM 601777.
Leber congenital amaurosis 1 (LCA1). Also called: Leber's congenital tapetoretinal dysplasia; RETINAL BLINDNESS, CONGENITAL; AMAUROSIS CONGENITA OF LEBER I; Congenital absence of the rods and cones; Leber's congenital tapetoretinal degeneration. Identifiers: Orphanet 65, MedGen C2931258, MONDO:0008764, OMIM 204000.

Allele frequency attached by ClinVar (database versions not stated): gnomAD exomes below 0.00001.

Submission:

Labcorp Genetics (formerly Invitae), Labcorp
Classification: Uncertain significance for Leber congenital amaurosis 1; Cone-rod dystrophy 6. Last evaluated: 2019-11-27. Review status: criteria provided, single submitter. Criteria: Invitae Variant Classification Sherloc (09022015). Collection method: clinical testing. Allele origin: germline.
Comment: In summary, the available evidence is currently insufficient to determine the role of this variant in disease. Therefore, it has been classified as a Variant of Uncertain Significance. Algorithms developed to predict the effect of missense changes on protein structure and function (SIFT, PolyPhen-2, Align-GVGD) all suggest that this variant is likely to be disruptive, but these predictions have not been confirmed by published functional studies and their clinical significance is uncertain. This variant has not been reported in the literature in individuals with GUCY2D-related conditions. This variant is not present in population databases (ExAC no frequency). This sequence change replaces alanine with serine at codon 263 of the GUCY2D protein (p.Ala263Ser). The alanine residue is highly conserved and there is a moderate physicochemical difference between alanine and serine.